The following is an entry in ClinVar:

NM_005802.5(TOPORS):c.74C>G (p.Ser25Trp)

Gene: TOPORS (TOP1 binding arginine/serine rich protein, E3 ubiquitin ligase; minus strand). Cytogenetic location: 9p21.1.
Variant type: single nucleotide variant.
Coding change: c.74C>G on transcript NM_005802.5 (MANE Select); coding-DNA position 74, C replaced by G.
Protein change: p.Ser25Trp; replaces serine 25 with tryptophan.
Molecular consequence: missense variant. On other transcripts: intron variant (1).
Genome position (GRCh38, 1-based): chr9:32,550,898, G>C on the plus strand (C>G on the coding strand, the complement: TOPORS is on the minus strand). VCF-style: chr9-32550898-G-C. GRCh37 (hg19) VCF-style: chr9-32550896-G-C.
Other names: c.3+1536C>G (NM_001195622.2); short protein forms S25W.
Identifiers: ClinVar variation 195250 (VCV000195250.44), dbSNP rs61758066, ClinGen allele CA201640.

ClinVar aggregate classification (germline): Benign/Likely benign. Review status: criteria provided, multiple submitters, no conflicts (2 of 4 stars). 8 submissions from 8 submitters: Benign (5); Likely benign (3). Last evaluated 2026-06-01.

Conditions:
Retinal dystrophy. Also called: Inherited retinal dystrophy. Identifiers: Orphanet 71862, MedGen C0854723, MeSH D058499, MONDO:0019118, HP:0000556.
Retinitis pigmentosa (RP). Identifiers: Orphanet 791, MedGen C0035334, MeSH D012174, MONDO:0019200, OMIM 268000. Inheritance: Autosomal dominant, autosomal recessive and X linked inheritance.
Retinitis pigmentosa 31 (RP31). Identifiers: Orphanet 791, MedGen C1835923, MONDO:0012367, OMIM 609923.

Allele frequency attached by ClinVar (database versions not stated): 1000 Genomes Project 30x 0.00281; 1000 Genomes Project 0.00339; ESP Exome Variant Server 0.00648; TOPMed 0.00661.

Submissions (8):

CeGaT Center for Human Genetics Tuebingen
Classification: Benign. Last evaluated: 2026-06-01. Review status: criteria provided, single submitter. Criteria: CeGaT Center For Human Genetics Tuebingen Variant Classification Criteria Version 2. Collection method: clinical testing. Allele origin: germline. Affected: yes. Observed: 7 variant alleles.
Comment: TOPORS: BS1, BS2

Labcorp Genetics (formerly Invitae), Labcorp
Classification: Benign. Last evaluated: 2026-01-26. Review status: criteria provided, single submitter. Criteria: Invitae Variant Classification Sherloc (09022015). Collection method: clinical testing. Allele origin: germline.

Dept Of Ophthalmology, Nagoya University
Classification: Benign for Retinal dystrophy. Last evaluated: 2023-10-01. Review status: criteria provided, single submitter. Criteria: Submitter's publication. Collection method: research. Allele origin: germline. Affected: yes.

Fulgent Genetics
Classification: Likely benign for Retinitis pigmentosa 31. Last evaluated: 2021-09-24. Review status: criteria provided, single submitter. Criteria: ACMG Guidelines, 2015. Collection method: clinical testing. Allele origin: unknown.

Illumina Laboratory Services, Illumina
Classification: Benign for Retinitis pigmentosa. Last evaluated: 2018-01-13. Review status: criteria provided, single submitter. Criteria: ICSL Variant Classification Criteria 13 December 2019. Collection method: clinical testing. Allele origin: germline.
Comment: This variant was observed in the ICSL laboratory as part of a predisposition screen in an ostensibly healthy population. It had not been previously curated by ICSL or reported in the Human Gene Mutation Database (HGMD: prior to June 1st, 2018), and was therefore a candidate for classification through an automated scoring system. Utilizing variant allele frequency, disease prevalence and penetrance estimates, and inheritance mode, an automated score was calculated to assess if this variant is too frequent to cause the disease. Based on the score and internal cut-off values, a variant classified as benign is not then subjected to further curation. The score for this variant resulted in a classification of benign for this disease.

Center for Pediatric Genomic Medicine, Children's Mercy Hospital and Clinics
Classification: Likely benign. Last evaluated: 2017-08-24. Review status: criteria provided, single submitter. Criteria: ACMG Guidelines, 2015. Collection method: clinical testing. Allele origin: germline.

Eurofins Ntd Llc (ga)
Classification: Benign. Last evaluated: 2014-08-25. Review status: criteria provided, single submitter. Criteria: EGL Classification Definitions 2015. Collection method: clinical testing. Allele origin: germline. Observed: 1 variant allele, 1 heterozygote.

Breakthrough Genomics
Classification: Likely benign. Review status: criteria provided, single submitter. Criteria: ACMG Guidelines, 2015. Collection method: not provided. Allele origin: germline. Inheritance: Unknown mechanism. Affected: yes.